The following is an entry in ClinVar:

ClinVar aggregate classification (germline): Conflicting classifications of pathogenicity. Review status: criteria provided, conflicting classifications (1 of 4 stars). 4 submissions from 4 submitters: Likely pathogenic (1); Uncertain significance (3). Last evaluated 2024-08-16.

Conditions:
Hereditary cancer-predisposing syndrome. Also called: Tumor predisposition; Hereditary neoplastic syndrome; Neoplastic Syndromes, Hereditary; Hereditary Cancer Syndrome. Identifiers: Orphanet 140162, MedGen C0027672, MeSH D009386, MONDO:0015356.
Hereditary breast ovarian cancer syndrome. Also called: Hereditary breast and ovarian cancer syndrome; Hereditary breast and/or ovarian cancer syndrome; Hereditary breast and ovarian cancer; Hereditary breast and ovarian cancer syndrome (HBOC); Breast and ovarian cancer; BRCA1- and BRCA2-Associated Hereditary Breast and Ovarian Cancer. Identifiers: Orphanet 145, MedGen C0677776, MeSH D061325, MONDO:0003582. Disease mechanism: loss of function.
Fanconi anemia complementation group D1. Also called: BRCA2-Related Fanconi Anemia. Identifiers: Orphanet 319462, MedGen C1838457, MONDO:0011584, OMIM 605724.
Familial cancer of breast. Also called: Hereditary breast cancer; hereditary breast carcinoma; BREAST CANCER, FAMILIAL. Identifiers: Orphanet 227535, MedGen C0346153, MONDO:0016419, OMIM 114480. Disease mechanism: loss of function.
Breast-ovarian cancer, familial, susceptibility to, 2 (BROVCA2). Also called: BRCA2 Hereditary Breast and Ovarian Cancer. Identifiers: Orphanet 145, MedGen C2675520, MONDO:0012933, OMIM 612555. Disease mechanism: loss of function.
Wilms tumor 1 (WT1). Also called: Wilms tumor, somatic. Identifiers: Orphanet 654, MedGen CN033288, MONDO:0008679, OMIM 194070.
Pancreatic cancer, susceptibility to, 2. Identifiers: Orphanet 1333, MedGen C3150546, MONDO:0013235, OMIM 613347.
Glioma susceptibility 3 (GLM3). Also called: Glioblastoma 3. Identifiers: Orphanet 182067, Orphanet 360, MedGen C2751641, MONDO:0013093, OMIM 613029.
Medulloblastoma (MDB). Also called: MEDULLOBLASTOMA PREDISPOSITION SYNDROME; Medulloblastoma, somatic. Identifiers: Orphanet 616, MedGen C0025149, MeSH D008527, MONDO:0007959, OMIM 155255, HP:0002885.
Familial prostate cancer. Also called: Hereditary Prostate Cancer. Identifiers: MedGen C2931456, MONDO:0700275, OMIM 176807.

Submissions (4):

Ambry Genetics
Classification: Likely pathogenic for Hereditary cancer-predisposing syndrome. Last evaluated: 2024-08-16. Review status: criteria provided, single submitter. Criteria: Ambry Variant Classification Scheme 2023. Collection method: clinical testing. Allele origin: germline.
Comment: The c.6938-6_6938-3delTCCT intronic variant, located in intron 11 of the BRCA2 gene, results from a deletion of 4 nucleotides within intron 11 of the BRCA2 gene. This nucleotide positions are well conserved in available vertebrate species. In silico splice site analysis predicts that this alteration will weaken the native splice acceptor site. RNA studies have demonstrated that this alteration results in abnormal splicing in the set of samples tested (Ambry internal data). Based on the majority of available evidence to date, this variant is likely to be pathogenic.

Fulgent Genetics
Classification: Uncertain significance for Familial cancer of breast; Medulloblastoma; Familial prostate cancer; Wilms tumor 1; Fanconi anemia complementation group D1; Breast-ovarian cancer, familial, susceptibility to, 2; Glioma susceptibility 3; Pancreatic cancer, susceptibility to, 2. Last evaluated: 2024-02-16. Review status: criteria provided, single submitter. Criteria: ACMG Guidelines, 2015. Collection method: clinical testing. Allele origin: germline.

Labcorp Genetics (formerly Invitae), Labcorp
Classification: Uncertain significance for Hereditary breast ovarian cancer syndrome. Last evaluated: 2023-07-28. Review status: criteria provided, single submitter. Criteria: Invitae Variant Classification Sherloc (09022015). Collection method: clinical testing. Allele origin: germline.
Comment: This sequence change falls in intron 12 of the BRCA2 gene. It does not directly change the encoded amino acid sequence of the BRCA2 protein. It affects a nucleotide within the consensus splice site. This variant is not present in population databases (gnomAD no frequency). This variant has not been reported in the literature in individuals affected with BRCA2-related conditions. ClinVar contains an entry for this variant (Variation ID: 571785). Variants that disrupt the consensus splice site are a relatively common cause of aberrant splicing (PMID: 17576681, 9536098). Algorithms developed to predict the effect of sequence changes on RNA splicing suggest that this variant may disrupt the consensus splice site. In summary, the available evidence is currently insufficient to determine the role of this variant in disease. Therefore, it has been classified as a Variant of Uncertain Significance.

Color Diagnostics, LLC DBA Color Health
Classification: Uncertain significance for Hereditary cancer-predisposing syndrome. Last evaluated: 2019-09-12. Review status: criteria provided, single submitter. Criteria: ACMG Guidelines, 2015. Collection method: clinical testing. Allele origin: germline.
Comment: This variant causes 4 nucleotides deletion in intron 12 of the BRCA2 gene. Splice site prediction tools predict that this variant may have a significant impact on RNA splicing. However, this prediction has not been confirmed in published RNA studies. To our knowledge, functional studies have not been performed for this variant. This variant has not been reported in individuals affected with hereditary cancer in the literature. This variant has not been identified in the general population by the Genome Aggregation Database (gnomAD). The available evidence is insufficient to determine the role of this variant in disease conclusively. Therefore, this variant is classified as a Variant of Uncertain Significance.

Literature cited by the submitters: PubMed 17576681 (cited by Labcorp Genetics (formerly Invitae), Labcorp); PubMed 9536098 (cited by Labcorp Genetics (formerly Invitae), Labcorp).

NM_000059.4(BRCA2):c.6938-6_6938-3del

Gene: BRCA2 (BRCA2 DNA repair associated; plus strand). Cytogenetic location: 13q13.1.
Variant type: Deletion.
Coding change: c.6938-6_6938-3del on transcript NM_000059.4 (MANE Select); 6 bases into the intron before coding-DNA position 6938 through 3 bases into the intron before coding-DNA position 6938, 4 bases deleted (TCCT; older notation c.6938-6_6938-3delTCCT).
Molecular consequence: intron variant.
Genome position (GRCh38, 1-based): chr13:32,346,821-32,346,824, TCCT deleted; deleting any 4 consecutive bases within chr13:32,346,820-32,346,824 gives the same sequence; the c. name uses the placement nearest the transcript's 3' end. VCF-style (leftmost placement, unchanged base first): chr13-32346819-TTTCC-T. GRCh37 (hg19) VCF-style: chr13-32920956-TTTCC-T.
Other names: c.6938-6_6938-3delTCCT (NM_000059.3).
Identifiers: ClinVar variation 571785 (VCV000571785.16), dbSNP rs1566237728, ClinGen allele CA891844179.